The following is an entry in ClinVar:

ClinVar aggregate classification (germline): Uncertain significance (1 of 4 stars; one submission).

Submission:

GeneDx
Classification: Uncertain significance. Last evaluated: 2023-11-06. Review status: criteria provided, single submitter. Criteria: GeneDx Variant Classification Process June 2021. Collection method: clinical testing. Allele origin: germline. Affected: yes.
Comment: Not observed at significant frequency in large population cohorts (gnomAD); In silico analysis supports that this missense variant does not alter protein structure/function; Has not been previously published as pathogenic or benign to our knowledge; This variant is associated with the following publications: (PMID: 19781682)

NM_000051.4(ATM):c.2917C>A (p.Leu973Ile)

Gene: ATM (ATM serine/threonine kinase; plus strand). Cytogenetic location: 11q22.3.
Variant type: single nucleotide variant.
Coding change: c.2917C>A on transcript NM_000051.4 (MANE Select); coding-DNA position 2917, C replaced by A.
Protein change: p.Leu973Ile; replaces leucine 973 with isoleucine.
Molecular consequence: missense variant.
Genome position (GRCh38, 1-based): chr11:108,271,142, C>A. VCF-style: chr11-108271142-C-A. GRCh37 (hg19) VCF-style: chr11-108141869-C-A.
Other names: c.2917C>A, p.Leu973Ile (NM_001351834.2); short protein forms L973I.
Identifiers: ClinVar variation 2662828 (VCV002662828.1), dbSNP rs535646511, ClinGen allele CA382546997.